The following is an entry in ClinVar:

NM_207361.6(FREM2):c.*5542T>A

Gene: FREM2 (FRAS1 related extracellular matrix 2; plus strand). Cytogenetic location: 13q13.3.
Variant type: single nucleotide variant.
Coding change: c.*5542T>A on transcript NM_207361.6 (MANE Select); 5542 bases downstream of the stop codon, T replaced by A.
Molecular consequence: 3 prime UTR variant.
Genome position (GRCh38, 1-based): chr13:38,886,329, T>A. VCF-style: chr13-38886329-T-A. GRCh37 (hg19) VCF-style: chr13-39460466-T-A.
Identifiers: ClinVar variation 312101 (VCV000312101.5), dbSNP rs7327529, ClinGen allele CA10634350.

ClinVar aggregate classification (germline): Benign (1 of 4 stars; one submission).

Conditions:
Fraser syndrome 2 (FRASRS2). Identifiers: MedGen C4540036, MONDO:0054738, OMIM 617666.

Allele frequency attached by ClinVar (database versions not stated): gnomAD 0.26845 and 0.26970; TOPMed 0.27429; 1000 Genomes Project 0.30851.

Submission:

Illumina Laboratory Services, Illumina
Classification: Benign for Fraser syndrome 2. Last evaluated: 2018-01-13. Review status: criteria provided, single submitter. Criteria: ICSL Variant Classification Criteria 13 December 2019. Collection method: clinical testing. Allele origin: germline.
Comment: This variant was observed in the ICSL laboratory as part of a predisposition screen in an ostensibly healthy population. It had not been previously curated by ICSL or reported in the Human Gene Mutation Database (HGMD: prior to June 1st, 2018), and was therefore a candidate for classification through an automated scoring system. Utilizing variant allele frequency, disease prevalence and penetrance estimates, and inheritance mode, an automated score was calculated to assess if this variant is too frequent to cause the disease. Based on the score and internal cut-off values, a variant classified as benign is not then subjected to further curation. The score for this variant resulted in a classification of benign for this disease.